The following is an entry in ClinVar:

ClinVar aggregate classification (germline): Pathogenic (1 of 4 stars; one submission).

Conditions:
Walker-Warburg congenital muscular dystrophy. Also called: Muscular dystrophy-dystroglycanopathy, type A; Walker-Warburg syndrome. Identifiers: Orphanet 899, MedGen C0265221, MONDO:0000171.

Submission:

Labcorp Genetics (formerly Invitae), Labcorp
Classification: Pathogenic for Walker-Warburg congenital muscular dystrophy. Last evaluated: 2020-02-18. Review status: criteria provided, single submitter. Criteria: Invitae Variant Classification Sherloc (09022015). Collection method: clinical testing. Allele origin: germline.
Comment: For these reasons, this variant has been classified as Pathogenic. Loss-of-function variants in FKTN are known to be pathogenic (PMID: 17044012, 17878207, 18752264). This variant has not been reported in the literature in individuals with FKTN-related conditions. This variant is a gross deletion of the genomic region encompassing exons 1-3 of the FKTN gene, which includes the initiator codon. The 5' end of this event is unknown as it extends beyond the assayed region for this gene and therefore may encompass additional genes. The 3' boundary is likely confined to intron 3 of the FKTN gene. This is expected to result in an absent or disrupted protein product.

Literature cited by the submitters: PubMed 17044012; PubMed 17878207; PubMed 18752264.

NC_000009.11:g.(?_108320401)_(108337428_?)del

Gene: FKTN (fukutin; plus strand). Cytogenetic location: 9q31.2.
Variant type: Deletion.
Identifiers: ClinVar variation 1076223 (VCV001076223.5).